The following is an entry in ClinVar:

NM_000059.4(BRCA2):c.8032_8033dup (p.Asp2679fs)

Gene: BRCA2 (BRCA2 DNA repair associated; plus strand). Cytogenetic location: 13q13.1.
Variant type: Duplication.
Coding change: c.8032_8033dup on transcript NM_000059.4 (MANE Select); coding-DNA positions 8032 to 8033, 2 bases duplicated (AG; older notation c.8032_8033dupAG).
Protein change: p.Asp2679fs; shifts the reading frame from aspartic acid 2679.
Molecular consequence: frameshift variant.
Genome position (GRCh38, 1-based): chr13:32,363,234-32,363,235, AG duplicated. VCF-style (leftmost placement, unchanged base first): chr13-32363233-A-AAG. GRCh37 (hg19) VCF-style: chr13-32937370-A-AAG.
Other names: 8260insGA; c.8032_8033dupAG (NM_000059.3); short protein forms D2679fs.
Identifiers: ClinVar variation 52479 (VCV000052479.7), dbSNP rs397507956, ClinGen allele CA025415.

ClinVar aggregate classification (germline): Pathogenic. Review status: reviewed by expert panel (3 of 4 stars). 2 submissions from 2 submitters: Pathogenic (1). 1 of the submissions does not count toward it. Last evaluated 2016-10-18.

Conditions:
Breast-ovarian cancer, familial, susceptibility to, 2 (BROVCA2). Also called: BRCA2 Hereditary Breast and Ovarian Cancer. Identifiers: Orphanet 145, MedGen C2675520, MONDO:0012933, OMIM 612555. Disease mechanism: loss of function.

Submissions (2):

Evidence-based Network for the Interpretation of Germline Mutant Alleles (ENIGMA)
Classification: Pathogenic for Breast-ovarian cancer, familial, susceptibility to, 2. Last evaluated: 2016-10-18. Review status: reviewed by expert panel. Criteria: ENIGMA BRCA1/2 Classification Criteria (2015). Collection method: curation. Allele origin: germline.
Comment: Variant allele predicted to encode a truncated non-functional protein.

Consortium of Investigators of Modifiers of BRCA1/2 (CIMBA), c/o University of Cambridge
Classification: Pathogenic for Breast-ovarian cancer, familial, susceptibility to, 2. Last evaluated: 2015-10-02. Review status: criteria provided, single submitter. Criteria: CIMBA Mutation Classification guidelines May 2016. Collection method: clinical testing. Allele origin: germline. Not counted in ClinVar's aggregate classification.